The following is an entry in ClinVar:

ClinVar aggregate classification (germline): Pathogenic (1 of 4 stars; one submission).

Conditions:
PKD1-related disorder. Also called: PKD1-related condition.

Submission:

PreventionGenetics, part of Exact Sciences
Classification: Pathogenic for PKD1-related condition. Last evaluated: 2025-04-28. Review status: criteria provided, single submitter. Criteria: ACMG Guidelines, 2015. Collection method: clinical testing. Allele origin: germline.
Comment: The PKD1 c.6255delC variant is predicted to result in a frameshift and premature protein termination (p.Ser2086Alafs*30). This variant was reported in an individual with autosomal dominant polycystic kidney disease (ADPKD) (Suppl. Table 4, Mochizuki et al. 2019. PubMed ID: 30989420). This variant has not been reported in a large population database (gnomAD), indicating this variant is rare. Frameshift variants in PKD1 are expected to be pathogenic. This variant is interpreted as pathogenic.

NM_001009944.3(PKD1):c.6255del (p.Ser2086fs)

Gene: PKD1 (polycystin 1, transient receptor potential channel interacting; minus strand). Cytogenetic location: 16p13.3.
Variant type: Deletion.
Coding change: c.6255del on transcript NM_001009944.3 (MANE Select); coding-DNA position 6255, one base deleted (C; older notation c.6255delC).
Protein change: p.Ser2086fs; shifts the reading frame from serine 2086.
Molecular consequence: frameshift variant.
Genome position (GRCh38, 1-based): chr16:2,108,912, G deleted on the plus strand (C on the coding strand, the reverse complement: PKD1 is on the minus strand); the first of 4 consecutive G bases (chr16:2,108,912-2,108,915); deleting any one gives the same sequence. VCF-style (leftmost placement, unchanged base first): chr16-2108911-TG-T. GRCh37 (hg19) VCF-style: chr16-2158912-TG-T.
Other names: c.6255del, p.Ser2086fs (NM_000296.4); c.6255delC (NM_001009944.2); short protein forms S2086fs.
Identifiers: ClinVar variation 5001318 (VCV005001318.1).
Genomic context (GRCh38, chr16:2,108,911, plus strand): 5'-CTGTGTCCTGCCCTGGCGACCCATCCCCAAAGTCCCAGTGGTAGGCCACACGCCGGGGGC[TG>T]GGGCTGGTGGCGGCCTCAAACTGCGCCGAGCGGTTGGTGAAGCAGGGGCCGCTCTGCAGG-3'